The following is an entry in ClinVar:

ClinVar aggregate classification (germline): Pathogenic/Likely pathogenic. Review status: criteria provided, multiple submitters, no conflicts (2 of 4 stars). 3 submissions from 3 submitters: Pathogenic (2); Likely pathogenic (1). Last evaluated 2025-01-14.

Conditions:
Polycystic kidney disease 4 (PKD4). Also called: POLYCYSTIC KIDNEY AND HEPATIC DISEASE 1; POLYCYSTIC KIDNEY DISEASE, INFANTILE, TYPE I; PKD3; POLYCYSTIC KIDNEY DISEASE 4 WITH OR WITHOUT POLYCYSTIC LIVER DISEASE; Autosomal Recessive Polycystic Kidney Disease – PKHD1. Identifiers: MedGen C4540575, MONDO:0033004, OMIM 263200.
Autosomal recessive polycystic kidney disease (ARPKD). Also called: AR polycystic kidney disease. Identifiers: Orphanet 731, Orphanet 8378, MedGen C0085548, MeSH D017044, MONDO:0009889.

Submissions (3):

Natera, Inc.
Classification: Likely pathogenic for Autosomal recessive polycystic kidney disease. Last evaluated: 2025-01-14. Review status: criteria provided, single submitter. Criteria: Natera Variant Classification Schema (03/2026). Collection method: clinical testing. Allele origin: germline.
Comment: The c.4993C>T variant in PKHD1 is a nonsense variant predicted to introduce a stop codon at amino acid 1665. This variant is expected to result in nonsense mediated decay, truncation, or a dysfunctional protein product. This variant is rare in the general population with a frequency below the threshold expected for the associated phenotype(s). Given the available evidence, this variant is classified as Likely Pathogenic.

Labcorp Genetics (formerly Invitae), Labcorp
Classification: Pathogenic for Autosomal recessive polycystic kidney disease. Last evaluated: 2023-07-28. Review status: criteria provided, single submitter. Criteria: Invitae Variant Classification Sherloc (09022015). Collection method: clinical testing. Allele origin: germline.
Comment: This variant is not present in population databases (gnomAD no frequency). For these reasons, this variant has been classified as Pathogenic. ClinVar contains an entry for this variant (Variation ID: 1323462). This variant has not been reported in the literature in individuals affected with PKHD1-related conditions. This sequence change creates a premature translational stop signal (p.Gln1665*) in the PKHD1 gene. It is expected to result in an absent or disrupted protein product. Loss-of-function variants in PKHD1 are known to be pathogenic (PMID: 19940839).

Revvity Omics, Revvity
Classification: Pathogenic for Polycystic kidney disease 4. Last evaluated: 2019-12-10. Review status: criteria provided, single submitter. Criteria: ACMG Guidelines, 2015. Collection method: clinical testing. Allele origin: germline.

Literature cited by the submitters: PubMed 19940839 (cited by Labcorp Genetics (formerly Invitae), Labcorp).

NM_138694.4(PKHD1):c.4993C>T (p.Gln1665Ter)

Genes: PKHD1 (PKHD1 ciliary IPT domain containing fibrocystin/polyductin; minus strand), LOC126859690 (MED14-independent group 3 enhancer GRCh37_chr6:51888848-51890047; plus strand). Cytogenetic location: 6p12.2.
Variant type: single nucleotide variant.
Coding change: c.4993C>T on transcript NM_138694.4 (MANE Select); coding-DNA position 4993, C replaced by T.
Protein change: p.Gln1665Ter; replaces glutamine 1665 with a stop codon.
Molecular consequence: nonsense.
Genome position (GRCh38, 1-based): chr6:52,024,817, G>A on the plus strand (C>T on the coding strand, the complement: PKHD1 is on the minus strand). VCF-style: chr6-52024817-G-A. GRCh37 (hg19) VCF-style: chr6-51889615-G-A.
Other names: c.4993C>T, p.Gln1665Ter (NM_170724.3); short protein forms Q1665*.
Identifiers: ClinVar variation 1323462 (VCV001323462.10), dbSNP rs2128141956, ClinGen allele CA364430209.